The following is an entry in ClinVar:

ClinVar aggregate classification (germline): Pathogenic (1 of 4 stars; one submission).

Submission:

Labcorp Genetics (formerly Invitae), Labcorp
Classification: Pathogenic. Last evaluated: 2023-08-17. Review status: criteria provided, single submitter. Criteria: Invitae Variant Classification Sherloc (09022015). Collection method: clinical testing. Allele origin: germline.
Comment: For these reasons, this variant has been classified as Pathogenic. ClinVar contains an entry for this variant (Variation ID: 1352574). This variant has not been reported in the literature in individuals affected with NDUFA12-related conditions. This variant is not present in population databases (gnomAD no frequency). This sequence change creates a premature translational stop signal (p.Gln5*) in the NDUFA12 gene. It is expected to result in an absent or disrupted protein product. Loss-of-function variants in NDUFA12 are known to be pathogenic (PMID: 21617257, 28454995).

Literature cited by the submitters: PubMed 21617257; PubMed 28454995.

NM_018838.5(NDUFA12):c.13C>T (p.Gln5Ter)

Gene: NDUFA12 (NADH:ubiquinone oxidoreductase subunit A12; minus strand). Cytogenetic location: 12q22.
Variant type: single nucleotide variant.
Coding change: c.13C>T on transcript NM_018838.5 (MANE Select); coding-DNA position 13, C replaced by T.
Protein change: p.Gln5Ter; replaces glutamine 5 with a stop codon.
Molecular consequence: nonsense.
Genome position (GRCh38, 1-based): chr12:95,003,668, G>A on the plus strand (C>T on the coding strand, the complement: NDUFA12 is on the minus strand). VCF-style: chr12-95003668-G-A. GRCh37 (hg19) VCF-style: chr12-95397444-G-A.
Other names: c.13C>T, p.Gln5Ter (NM_001258338.2); short protein forms Q5*.
Identifiers: ClinVar variation 1352574 (VCV001352574.6), dbSNP rs2136075449, ClinGen allele CA386041143.